The following is an entry in ClinVar:

ClinVar aggregate classification (germline): Uncertain significance (1 of 4 stars; one submission).

Conditions:
Hereditary cancer-predisposing syndrome. Also called: Neoplastic Syndromes, Hereditary; Tumor predisposition; Hereditary Cancer Syndrome; Hereditary neoplastic syndrome. Identifiers: Orphanet 140162, MedGen C0027672, MeSH D009386, MONDO:0015356.

Submission:

Ambry Genetics
Classification: Uncertain significance for Hereditary cancer-predisposing syndrome. Last evaluated: 2026-04-29. Review status: criteria provided, single submitter. Criteria: Ambry Variant Classification Scheme 2023. Collection method: clinical testing. Allele origin: germline.
Comment: The p.L362R variant (also known as c.1085T>G), located in coding exon 10 of the TSC2 gene, results from a T to G substitution at nucleotide position 1085. The leucine at codon 362 is replaced by arginine, an amino acid with dissimilar properties. This amino acid position is highly conserved in available vertebrate species. In addition, this alteration is predicted to be deleterious by in silico analysis. Based on the available evidence, the clinical significance of this variant remains unclear.

NM_000548.5(TSC2):c.1085T>G (p.Leu362Arg)

Gene: TSC2 (TSC complex subunit 2; plus strand). Cytogenetic location: 16p13.3.
Variant type: single nucleotide variant.
Coding change: c.1085T>G on transcript NM_000548.5 (MANE Select); coding-DNA position 1085, T replaced by G.
Protein change: p.Leu362Arg; replaces leucine 362 with arginine.
Molecular consequence: missense variant. On other transcripts: 5 prime UTR variant (10), non-coding transcript variant (5).
Genome position (GRCh38, 1-based): chr16:2,060,779, T>G. VCF-style: chr16-2060779-T-G. GRCh37 (hg19) VCF-style: chr16-2110780-T-G.
Other names: c.1085T>G, p.Leu362Arg (NM_001077183.3, NM_001114382.3, NM_001363528.2 and 6 more transcripts); c.974T>G, p.Leu325Arg (NM_001318827.2, NM_001406670.1, NM_001406678.1); c.938T>G, p.Leu313Arg (NM_001318829.2, NM_001406675.1, NM_001406676.1 and 1 more transcripts); c.485T>G, p.Leu162Arg (NM_001318831.2, NM_001406683.1, NM_001406684.1 and 6 more transcripts); c.1118T>G, p.Leu373Arg (NM_001318832.2); c.1175T>G, p.Leu392Arg (NM_001406667.1, NM_001406668.1); c.-347T>G (NM_001406689.1, NM_001406690.1, NM_001406691.1 and 4 more transcripts); c.-228T>G (NM_001406694.1, NM_001406695.1); and 4 more; short protein forms L162R, L208R, L313R, L325R, L343R, L358R, L362R, L373R.
Identifiers: ClinVar variation 4866100 (VCV004866100.1).